The following is an entry in ClinVar:

NM_012193.4(FZD4):c.310C>G (p.Pro104Ala)

Genes: FZD4 (frizzled class receptor 4; minus strand), PRSS23 (serine protease 23; plus strand). Cytogenetic location: 11q14.2.
Variant type: single nucleotide variant.
Coding change: c.310C>G on transcript NM_012193.4 (MANE Select); coding-DNA position 310, C replaced by G.
Protein change: p.Pro104Ala; replaces proline 104 with alanine.
Molecular consequence: missense variant. On other transcripts: non-coding transcript variant (2).
Genome position (GRCh38, 1-based): chr11:86,952,446, G>C on the plus strand (C>G on the coding strand, the complement: FZD4 is on the minus strand). VCF-style: chr11-86952446-G-C. GRCh37 (hg19) VCF-style: chr11-86663488-G-C.
Other names: short protein forms P104A.
Identifiers: ClinVar variation 4854750 (VCV004854750.2).

ClinVar aggregate classification (germline): Uncertain significance. Review status: criteria provided, multiple submitters, no conflicts (2 of 4 stars). 2 submissions from 2 submitters: Uncertain significance (2). Last evaluated 2026-01-08.

Conditions:
Exudative vitreoretinopathy 1 (EVR1). Also called: CRISWICK-SCHEPENS SYNDROME; FEVR, AUTOSOMAL DOMINANT; Familial exudative vitreoretinopathy, autosomal dominant. Identifiers: Orphanet 891, Orphanet 90050, MedGen C1851402, MONDO:0007589, OMIM 133780.

gnomAD v4.1: 1 of 1,613,576 alleles (0.000062%); highest among the groups gnomAD compares: Non-Finnish European, 0.000085%; no homozygotes.

Submissions (2):

3billion
Classification: Uncertain significance for Exudative vitreoretinopathy 1. Last evaluated: 2026-01-08. Review status: criteria provided, single submitter. Criteria: ACMG Guidelines, 2015. Collection method: clinical testing. Allele origin: germline. Affected: yes.
Comment: The variant is observed at an extremely low frequency in the gnomAD v4.1.0 dataset (total allele frequency: <0.001%). Predicted Consequence/Location: Missense variant In silico tool predictions suggest damaging effect of the variant on gene or gene product [REVEL: 0.87 (>=0.6, sensitivity 0.68 and specificity 0.92); 3Cnet: 0.97 (> 0.75, sensitivity 0.96 and precision 0.92)]. Therefore, this variant is classified as VUS according to the recommendation of ACMG/AMP guideline.

Blueprint Genetics
Classification: Uncertain significance. Last evaluated: 2022-08-19. Review status: criteria provided, single submitter. Criteria: ACMG Guidelines, 2015. Collection method: clinical testing. Allele origin: germline.